The following is an entry in ClinVar:

ClinVar aggregate classification (germline): Likely pathogenic (1 of 4 stars; one submission).

Conditions:
Neurodevelopmental disorder with speech impairment and dysmorphic facies. Identifiers: MedGen C5436699, MONDO:0033630, OMIM 619056.

Submission:

Genetics Laboratory, UDIAT-Centre Diagnòstic, Hospital Universitari Parc Tauli
Classification: Likely pathogenic for neurodevelopmental disorder with speech impairment and dysmorphic facies. Last evaluated: 2023-09-21. Review status: criteria provided, single submitter. Criteria: ACMG Guidelines, 2015. Collection method: clinical testing. Allele origin: unknown. Inheritance: Autosomal dominant inheritance. Affected: yes.
Comment: PM2_supporting;PM6_moderate;PP2_supporting;PP3_moderate

NM_014712.3(SETD1A):c.4774G>A (p.Glu1592Lys)

Gene: SETD1A (SET domain containing 1A, histone lysine methyltransferase; plus strand). Cytogenetic location: 16p11.2.
Variant type: single nucleotide variant.
Coding change: c.4774G>A on transcript NM_014712.3 (MANE Select); coding-DNA position 4774, G replaced by A.
Protein change: p.Glu1592Lys; replaces glutamic acid 1592 with lysine.
Molecular consequence: missense variant.
Genome position (GRCh38, 1-based): chr16:30,981,142, G>A. VCF-style: chr16-30981142-G-A. GRCh37 (hg19) VCF-style: chr16-30992463-G-A.
Other names: short protein forms E1592K.
Identifiers: ClinVar variation 3897621 (VCV003897621.1).